The following is an entry in ClinVar:

NM_005633.4(SOS1):c.1478A>G (p.Lys493Arg)

Gene: SOS1 (SOS Ras/Rac guanine nucleotide exchange factor 1; minus strand). Cytogenetic location: 2p22.1.
Variant type: single nucleotide variant.
Coding change: c.1478A>G on transcript NM_005633.4 (MANE Select); coding-DNA position 1478, A replaced by G.
Protein change: p.Lys493Arg; replaces lysine 493 with arginine.
Molecular consequence: missense variant.
Genome position (GRCh38, 1-based): chr2:39,022,950, T>C on the plus strand (A>G on the coding strand, the complement: SOS1 is on the minus strand). VCF-style: chr2-39022950-T-C. GRCh37 (hg19) VCF-style: chr2-39250091-T-C.
Other names: c.1457A>G, p.Lys486Arg (NM_001382394.1); c.1478A>G, p.Lys493Arg (NM_001382395.1); short protein forms K493R, K486R.
Identifiers: ClinVar variation 1376702 (VCV001376702.6), dbSNP rs2124537230, ClinGen allele CA346366084.
Genomic context (GRCh38, chr2:39,022,950, plus strand): 5'-GCATGCTTGTATTCATTGGTGTCATCTTTATCATTAATTTGTACCTTTCGCATAAAAAAC[T>C]TTTCTTTAAGACGATATTCTGCATTGCTAGCACCAGGAAGTCTTGGCTGCCCATGATTTG-3'
Protein context (NP_005624.2, residues 483-503): ASNAEYRLKE[Lys493Arg]FFMRKVQIND

ClinVar aggregate classification (germline): Uncertain significance (1 of 4 stars; one submission).

Conditions:
RASopathy. Also called: rasopathies; Noonan spectrum disorder. Identifiers: Orphanet 536391, MedGen C5555857, MONDO:0021060.

Submission:

Labcorp Genetics (formerly Invitae), Labcorp
Classification: Uncertain significance for RASopathy. Last evaluated: 2022-07-26. Review status: criteria provided, single submitter. Criteria: Invitae Variant Classification Sherloc (09022015). Collection method: clinical testing. Allele origin: germline.
Comment: This variant is not present in population databases (gnomAD no frequency). In summary, the available evidence is currently insufficient to determine the role of this variant in disease. Therefore, it has been classified as a Variant of Uncertain Significance. Advanced modeling of protein sequence and biophysical properties (such as structural, functional, and spatial information, amino acid conservation, physicochemical variation, residue mobility, and thermodynamic stability) performed at Invitae indicates that this missense variant is expected to disrupt SOS1 protein function. ClinVar contains an entry for this variant (Variation ID: 1376702). This variant has not been reported in the literature in individuals affected with SOS1-related conditions. This sequence change replaces lysine, which is basic and polar, with arginine, which is basic and polar, at codon 493 of the SOS1 protein (p.Lys493Arg).